The following is an entry in ClinVar:

NM_005660.3(SLC35A2):c.616G>T (p.Val206Phe)

Gene: SLC35A2 (solute carrier family 35 member A2; minus strand). Cytogenetic location: Xp11.23.
Variant type: single nucleotide variant.
Coding change: c.616G>T on transcript NM_005660.3 (MANE Select); coding-DNA position 616, G replaced by T.
Protein change: p.Val206Phe; replaces valine 206 with phenylalanine.
Molecular consequence: missense variant. On other transcripts: intron variant (3).
Genome position (GRCh38, 1-based): chrX:48,905,293, C>A on the plus strand (G>T on the coding strand, the complement: SLC35A2 is on the minus strand). VCF-style: chrX-48905293-C-A. GRCh37 (hg19) VCF-style: chrX-48762570-C-A.
Other names: c.616G>T, p.Val206Phe (NM_001042498.3); c.433G>T, p.Val145Phe (NM_001282649.2); c.655G>T, p.Val219Phe (NM_001282650.2); c.700G>T, p.Val234Phe (NM_001282651.2); c.427-401G>T (NM_001282647.2, NM_001032289.3); c.355-401G>T (NM_001282648.2); short protein forms V145F, V206F, V234F, V219F.
Identifiers: ClinVar variation 2028057 (VCV002028057.4), dbSNP rs1557042878, ClinGen allele CA412895588.

ClinVar aggregate classification (germline): Uncertain significance (1 of 4 stars; one submission).

Conditions:
SLC35A2-congenital disorder of glycosylation. Also called: CONGENITAL DISORDER OF GLYCOSYLATION, TYPE IIm; CDG IIm; CONGENITAL DISORDER OF GLYCOSYLATION, TYPE IIm, SOMATIC MOSAIC; EPILEPTIC ENCEPHALOPATHY, EARLY INFANTILE, 22; DEVELOPMENTAL AND EPILEPTIC ENCEPHALOPATHY 22; SLC35A2-CDG. Identifiers: Orphanet 356961, MedGen C3806688, MONDO:0010478, OMIM 300896.

Submission:

Labcorp Genetics (formerly Invitae), Labcorp
Classification: Uncertain significance for SLC35A2-congenital disorder of glycosylation. Last evaluated: 2022-02-21. Review status: criteria provided, single submitter. Criteria: Invitae Variant Classification Sherloc (09022015). Collection method: clinical testing. Allele origin: germline.
Comment: This sequence change replaces valine, which is neutral and non-polar, with phenylalanine, which is neutral and non-polar, at codon 206 of the SLC35A2 protein (p.Val206Phe). In summary, the available evidence is currently insufficient to determine the role of this variant in disease. Therefore, it has been classified as a Variant of Uncertain Significance. Algorithms developed to predict the effect of missense changes on protein structure and function are either unavailable or do not agree on the potential impact of this missense change (SIFT: "Deleterious"; PolyPhen-2: "Probably Damaging"; Align-GVGD: "Class C0"). This missense change has been observed in individual(s) with clinical features of X-linked dominant congenital disorder of glycosylation (Invitae). This variant is not present in population databases (gnomAD no frequency).